The following is an entry in ClinVar:

ClinVar aggregate classification (germline): no classifications from unflagged records (0 of 4 stars; one submission).

Conditions:
Ciliary dyskinesia, primary, 50 (CILD50). Identifiers: MedGen C5830473, MONDO:0957252, OMIM 620356.

Submission:

OMIM
Classification: Pathogenic for CILIARY DYSKINESIA, PRIMARY, 50. Last evaluated: 2023-04-28. Review status: flagged submission. Collection method: literature only. Allele origin: germline.
ClinVar note: Notes: Flagging candidate with reason of insufficient supporting evidence. This gene has been classified as having a limited gene-disease relationship by a ClinGen Expert Panel.
ClinVar note: Reason: P/LP classification for a variant in a gene with insufficient evidence for a gene-disease relationship

Literature cited by the submitters: PubMed 35543642.

NM_018897.3(DNAH7):c.2478dup (p.Val827fs)

Gene: DNAH7 (dynein axonemal heavy chain 7; minus strand). Cytogenetic location: 2q32.3.
Variant type: Duplication.
Coding change: c.2478dup on transcript NM_018897.3 (MANE Select); coding-DNA position 2478, one base duplicated (A; older notation c.2478dupA).
Protein change: p.Val827fs; shifts the reading frame from valine 827.
Molecular consequence: frameshift variant.
Genome position (GRCh38, 1-based): chr2:195,960,673, T duplicated on the plus strand (A on the coding strand, the reverse complement: DNAH7 is on the minus strand); the first of 7 consecutive T bases (chr2:195,960,673-195,960,679); duplicating any one gives the same sequence. VCF-style (leftmost placement, unchanged base first): chr2-195960672-C-CT. GRCh37 (hg19) VCF-style: chr2-196825396-C-CT.
Other names: c.2478dupA (NM_018897.3); short protein forms V827fs.
Identifiers: ClinVar variation 2500173 (VCV002500173.1), dbSNP rs752238407, ClinGen allele CA2036343.